The following is an entry in ClinVar:

NM_001164665.2(KIAA1549):c.3388G>A (p.Glu1130Lys)

Gene: KIAA1549 (KIAA1549; minus strand). Cytogenetic location: 7q34.
Variant type: single nucleotide variant.
Coding change: c.3388G>A on transcript NM_001164665.2 (MANE Select); coding-DNA position 3388, G replaced by A.
Protein change: p.Glu1130Lys; replaces glutamic acid 1130 with lysine.
Molecular consequence: missense variant.
Genome position (GRCh38, 1-based): chr7:138,906,991, C>T on the plus strand (G>A on the coding strand, the complement: KIAA1549 is on the minus strand). VCF-style: chr7-138906991-C-T. GRCh37 (hg19) VCF-style: chr7-138591737-C-T.
Other names: c.3388G>A, p.Glu1130Lys (NM_020910.3); short protein forms E1130K.
Identifiers: ClinVar variation 842153 (VCV000842153.7), dbSNP rs563835891, ClinGen allele CA4506224.

ClinVar aggregate classification (germline): Uncertain significance. Review status: criteria provided, multiple submitters, no conflicts (2 of 4 stars). 3 submissions from 3 submitters: Uncertain significance (3). Last evaluated 2024-12-09.

Conditions:
Inborn genetic diseases. Identifiers: MedGen C0950123, MeSH D030342.

Allele frequency attached by ClinVar (database versions not stated): gnomAD exomes 0.00001 and 0.00003; ExAC 0.00004; TOPMed 0.00011; gnomAD 0.00013 and 0.00014; 1000 Genomes Project 0.00020; 1000 Genomes Project 30x 0.00031.
gnomAD v4.1: 43 of 1,613,370 alleles (0.0027%); highest among the groups gnomAD compares: African/African-American, 0.033%; no homozygotes.

Submissions (3):

Ambry Genetics
Classification: Uncertain significance for Inborn genetic diseases. Last evaluated: 2024-12-09. Review status: criteria provided, single submitter. Criteria: Ambry Variant Classification Scheme 2023. Collection method: clinical testing. Allele origin: germline.

Blueprint Genetics
Classification: Uncertain significance. Last evaluated: 2024-07-01. Review status: criteria provided, single submitter. Criteria: ACMG Guidelines, 2015. Collection method: clinical testing. Allele origin: germline.

Labcorp Genetics (formerly Invitae), Labcorp
Classification: Uncertain significance. Last evaluated: 2022-08-10. Review status: criteria provided, single submitter. Criteria: Invitae Variant Classification Sherloc (09022015). Collection method: clinical testing. Allele origin: germline.
Comment: This sequence change replaces glutamic acid, which is acidic and polar, with lysine, which is basic and polar, at codon 1130 of the KIAA1549 protein (p.Glu1130Lys). This variant is present in population databases (rs563835891, gnomAD 0.04%). This variant has not been reported in the literature in individuals affected with KIAA1549-related conditions. ClinVar contains an entry for this variant (Variation ID: 842153). Algorithms developed to predict the effect of missense changes on protein structure and function are either unavailable or do not agree on the potential impact of this missense change (SIFT: "Deleterious"; PolyPhen-2: "Possibly Damaging"; Align-GVGD: "Class C0"). In summary, the available evidence is currently insufficient to determine the role of this variant in disease. Therefore, it has been classified as a Variant of Uncertain Significance.